The following is an entry in ClinVar:

ClinVar aggregate classification (germline): Likely pathogenic (1 of 4 stars; one submission).

Conditions:
Usher syndrome type 2A. Also called: RETINAL DISEASE IN USHER SYNDROME TYPE IIA, MODIFIER OF; USHER SYNDROME, TYPE IIA. Identifiers: Orphanet 231178, Orphanet 886, MedGen C1848634, MONDO:0010169, OMIM 276901.

Submission:

Natera, Inc.
Classification: Likely pathogenic for Usher syndrome type 2A. Last evaluated: 2024-12-24. Review status: criteria provided, single submitter. Criteria: Natera Variant Classification Schema (03/2026). Collection method: clinical testing. Allele origin: germline.
Comment: The c.5924G>A variant in USH2A is a nonsense variant predicted to introduce a stop codon at amino acid 1975. This variant is expected to result in nonsense mediated decay, truncation, or a dysfunctional protein product. This variant is rare in the general population with a frequency below the threshold expected for the associated phenotype(s). Given the available evidence, this variant is classified as Likely Pathogenic.

NM_206933.4(USH2A):c.5924G>A (p.Trp1975Ter)

Gene: USH2A (usherin; minus strand). Cytogenetic location: 1q41.
Variant type: single nucleotide variant.
Coding change: c.5924G>A on transcript NM_206933.4 (MANE Select); coding-DNA position 5924, G replaced by A.
Protein change: p.Trp1975Ter; replaces tryptophan 1975 with a stop codon.
Molecular consequence: nonsense.
Genome position (GRCh38, 1-based): chr1:216,070,226, C>T on the plus strand (G>A on the coding strand, the complement: USH2A is on the minus strand). VCF-style: chr1-216070226-C-T. GRCh37 (hg19) VCF-style: chr1-216243568-C-T.
Other names: short protein forms W1975*.
Identifiers: ClinVar variation 4817134 (VCV004817134.1).